The following is an entry in ClinVar:

NM_004284.6(CHD1L):c.1086-2A>C

Gene: CHD1L (chromodomain helicase DNA binding protein 1 like; plus strand). Cytogenetic location: 1q21.1.
Variant type: single nucleotide variant.
Coding change: c.1086-2A>C on transcript NM_004284.6 (MANE Select); the canonical splice acceptor site of the intron before coding-DNA position 1086, A replaced by C.
Molecular consequence: splice acceptor variant.
Genome position (GRCh38, 1-based): chr1:147,270,930, A>C. VCF-style: chr1-147270930-A-C. GRCh37 (hg19) VCF-style: chr1-146742591-A-C.
Other names: NC_000001.10:g.146742591A>C; c.870-2A>C (NM_001348451.2, NM_001348452.2); c.243-2A>C (NM_001348462.2, NM_001348460.2, NM_001348465.2 and 9 more transcripts); c.597-2A>C (NM_001348455.2); c.747-2A>C (NM_024568.4, NM_001348453.2); c.786-2A>C (NM_001256336.3); c.630-2A>C (NM_001348454.2); c.474-2A>C (NM_001256338.3).
Identifiers: ClinVar variation 504321 (VCV000504321.3), dbSNP rs782774593, ClinGen allele CA1063560.
Genomic context (GRCh38, chr1:147,270,930, plus strand): 5'-GAGGGAAATTGACCTTAAATACCACTAGACTTGGCAGTGTTTCCTTTTCTTTTTCTTGCC[A>C]GGGGCCATCGGGTTTTACTTTTCTCCCAAATGACCCAGATGTTGGATATTCTCCAAGACT-3'

ClinVar aggregate classification (germline): Uncertain significance (1 of 4 stars; one submission).

Allele frequency attached by ClinVar (database versions not stated): gnomAD exomes 0.00002; ExAC 0.00003; gnomAD 0.00004 and 0.00003; TOPMed 0.00004.
gnomAD v4.1: 164 of 1,613,754 alleles (0.01%); highest among the groups gnomAD compares: Non-Finnish European, 0.014%; no homozygotes.

Submissions (2):

GeneDx
Classification: Uncertain significance. Last evaluated: 2018-02-13. Review status: criteria provided, single submitter. Criteria: GeneDx Variant Classification (06012015). Collection method: clinical testing. Allele origin: germline. Affected: yes.
Comment: The c.1086-2A>C variant in the CHD1L gene has not been reported previously as a pathogenic variant nor as a benign variant, to our knowledge. This splice site variant destroys the canonical splice acceptor site in intron 10. It is predicted to cause abnormal gene splicing, either leading to an abnormal message that is subject to nonsense-mediated mRNA decay, or to an abnormal protein product if the message is used for protein translation. However, loss-of-function is not a known mechanism of disease for the CHD1L gene. The c.1086-2A>C variant is observed in 5/246,026 total alleles in large population cohorts (Lek et al., 2016). A different splice variant at the same nucleotide (c.1086-2A>G) has been reported in association with pancreatic cancer (Smith et al., 2016). We interpret c.1086-2A>C as a variant of uncertain significance

Dr. Peter K. Rogan Lab, Western University
No classification provided (evidence only). Condition: Clear cell carcinoma of kidney. Review status: no classification provided. Collection method: in vitro. Allele origin: not applicable. Functional consequence: skipped exon. Not counted in ClinVar's aggregate classification.